The following is an entry in ClinVar:

ClinVar aggregate classification (germline): Uncertain significance (1 of 4 stars; one submission).

Submission:

Labcorp Genetics (formerly Invitae), Labcorp
Classification: Uncertain significance. Last evaluated: 2024-08-28. Review status: criteria provided, single submitter. Criteria: Invitae Variant Classification Sherloc (09022015). Collection method: clinical testing. Allele origin: germline.
Comment: This sequence change replaces proline, which is neutral and non-polar, with leucine, which is neutral and non-polar, at codon 94 of the KLF10 protein (p.Pro94Leu). This variant is not present in population databases (gnomAD no frequency). This variant has not been reported in the literature in individuals affected with KLF10-related conditions. An algorithm developed to predict the effect of missense changes on protein structure and function (PolyPhen-2) suggests that this variant is likely to be disruptive. In summary, the available evidence is currently insufficient to determine the role of this variant in disease. Therefore, it has been classified as a Variant of Uncertain Significance.

NM_005655.4(KLF10):c.281C>T (p.Pro94Leu)

Gene: KLF10 (KLF transcription factor 10; minus strand). Cytogenetic location: 8q22.3.
Variant type: single nucleotide variant.
Coding change: c.281C>T on transcript NM_005655.4 (MANE Select); coding-DNA position 281, C replaced by T.
Protein change: p.Pro94Leu; replaces proline 94 with leucine.
Molecular consequence: missense variant.
Genome position (GRCh38, 1-based): chr8:102,652,051, G>A on the plus strand (C>T on the coding strand, the complement: KLF10 is on the minus strand). VCF-style: chr8-102652051-G-A. GRCh37 (hg19) VCF-style: chr8-103664279-G-A.
Other names: c.248C>T, p.Pro83Leu (NM_001032282.4); short protein forms P83L, P94L.
Identifiers: ClinVar variation 3663273 (VCV003663273.2).